The following is an entry in ClinVar:

NM_005236.3(ERCC4):c.1268A>G (p.Tyr423Cys)

Gene: ERCC4 (ERCC excision repair 4, endonuclease catalytic subunit; plus strand). Cytogenetic location: 16p13.12.
Variant type: single nucleotide variant.
Coding change: c.1268A>G on transcript NM_005236.3 (MANE Select); coding-DNA position 1268, A replaced by G.
Protein change: p.Tyr423Cys; replaces tyrosine 423 with cysteine.
Molecular consequence: missense variant.
Genome position (GRCh38, 1-based): chr16:13,935,200, A>G. VCF-style: chr16-13935200-A-G. GRCh37 (hg19) VCF-style: chr16-14029057-A-G.
Other names: short protein forms Y423C.
Identifiers: ClinVar variation 1431747 (VCV001431747.9), dbSNP rs143924094, ClinGen allele CA7910431.

ClinVar aggregate classification (germline): Uncertain significance. Review status: criteria provided, multiple submitters, no conflicts (2 of 4 stars). 3 submissions from 3 submitters: Uncertain significance (3). Last evaluated 2025-08-11.

Conditions:
Xeroderma pigmentosum, group F (XPF). Also called: ERCC4-Related Xeroderma Pigmentosum; XERODERMA PIGMENTOSUM VI; XP, GROUP F; XERODERMA PIGMENTOSUM, TYPE F; Xeroderma pigmentosum, type 6; XERODERMA PIGMENTOSUM, COMPLEMENTATION GROUP F. Identifiers: MedGen C0268140, MONDO:0010215, OMIM 278760.
Cockayne syndrome. Identifiers: Orphanet 191, MedGen C0009207, MONDO:0016006.
Fanconi anemia complementation group Q. Identifiers: Orphanet 84, MedGen C3808988, MONDO:0014108, OMIM 615272.

Allele frequency attached by ClinVar (database versions not stated): gnomAD exomes 0.00002 and 0.00004; ExAC 0.00007; ESP Exome Variant Server 0.00008; gnomAD 0.00010 and 0.00011; TOPMed 0.00011.

Submissions (3):

Labcorp Genetics (formerly Invitae), Labcorp
Classification: Uncertain significance for Fanconi anemia complementation group Q; Xeroderma pigmentosum, group F; Cockayne syndrome. Last evaluated: 2025-08-11. Review status: criteria provided, single submitter. Criteria: Invitae Variant Classification Sherloc (09022015). Collection method: clinical testing. Allele origin: germline.
Comment: This sequence change replaces tyrosine, which is neutral and polar, with cysteine, which is neutral and slightly polar, at codon 423 of the ERCC4 protein (p.Tyr423Cys). This variant is present in population databases (rs143924094, gnomAD 0.04%). This variant has not been reported in the literature in individuals affected with ERCC4-related conditions. ClinVar contains an entry for this variant (Variation ID: 1431747). Invitae Evidence Modeling of protein sequence and biophysical properties (such as structural, functional, and spatial information, amino acid conservation, physicochemical variation, residue mobility, and thermodynamic stability) indicates that this missense variant is not expected to disrupt ERCC4 protein function with a negative predictive value of 80%. In summary, the available evidence is currently insufficient to determine the role of this variant in disease. Therefore, it has been classified as a Variant of Uncertain Significance.

Blueprint Genetics
Classification: Uncertain significance. Last evaluated: 2024-09-16. Review status: criteria provided, single submitter. Criteria: ACMG Guidelines, 2015. Collection method: clinical testing. Allele origin: germline.

St. Jude Molecular Pathology, St. Jude Children's Research Hospital
Classification: Uncertain significance for Xeroderma pigmentosum, group F. Last evaluated: 2023-03-31. Review status: criteria provided, single submitter. Criteria: St. Jude Assertion Criteria 2020. Collection method: clinical testing. Allele origin: germline.
Comment: The ERCC4 c.1268A>G (p.Tyr423Cys) missense change has a maximum subpopulation frequency of 0.044% in gnomAD v2.1.1. The in silico tool REVEL predicts a benign effect on protein function, but to our knowledge this prediction has not been confirmed by functional studies. To our knowledge, this variant has not been reported in individuals with Fanconi anemia or Xeroderma pigmentosum. In summary, the evidence currently available is insufficient to determine the clinical significance of this variant. It has therefore been classified as of uncertain significance.